The following is an entry in ClinVar:

ClinVar aggregate classification (germline): Uncertain significance (1 of 4 stars; one submission).

Submission:

CeGaT Center for Human Genetics Tuebingen
Classification: Uncertain significance. Last evaluated: 2025-05-01. Review status: criteria provided, single submitter. Criteria: CeGaT Center For Human Genetics Tuebingen Variant Classification Criteria Version 2. Collection method: clinical testing. Allele origin: germline. Affected: yes. Observed: 1 variant allele.
Comment: PLEC: PM2

NM_201384.3(PLEC):c.947T>C (p.Ile316Thr)

Gene: PLEC (plectin; minus strand). Cytogenetic location: 8q24.3.
Variant type: single nucleotide variant.
Coding change: c.947T>C on transcript NM_201384.3 (MANE Select); coding-DNA position 947, T replaced by C.
Protein change: p.Ile316Thr; replaces isoleucine 316 with threonine.
Molecular consequence: missense variant.
Genome position (GRCh38, 1-based): chr8:143,934,729, A>G on the plus strand (T>C on the coding strand, the complement: PLEC is on the minus strand). VCF-style: chr8-143934729-A-G. GRCh37 (hg19) VCF-style: chr8-145008897-A-G.
Other names: c.1028T>C, p.Ile343Thr (NM_000445.5, NM_001410941.1); c.905T>C, p.Ile302Thr (NM_201378.4); c.881T>C, p.Ile294Thr (NM_201379.3); c.1358T>C, p.Ile453Thr (NM_201380.4); c.851T>C, p.Ile284Thr (NM_201381.3); c.947T>C, p.Ile316Thr (NM_201382.4); c.959T>C, p.Ile320Thr (NM_201383.3); short protein forms I284T, I294T, I302T, I316T, I320T, I343T, I453T.
Identifiers: ClinVar variation 3905927 (VCV003905927.10).